The following is an entry in ClinVar:

ClinVar aggregate classification (germline): Uncertain significance (1 of 4 stars; one submission).

Conditions:
Hereditary cancer-predisposing syndrome. Also called: Tumor predisposition; Hereditary Cancer Syndrome; Neoplastic Syndromes, Hereditary; Hereditary neoplastic syndrome. Identifiers: Orphanet 140162, MedGen C0027672, MeSH D009386, MONDO:0015356.

Submission:

Ambry Genetics
Classification: Uncertain significance for Hereditary cancer-predisposing syndrome. Last evaluated: 2023-12-07. Review status: criteria provided, single submitter. Criteria: Ambry Variant Classification Scheme 2023. Collection method: clinical testing. Allele origin: germline.
Comment: The p.L78P variant (also known as c.233T>C), located in coding exon 2 of the CDKN2A gene, results from a T to C substitution at nucleotide position 233. The leucine at codon 78 is replaced by proline, an amino acid with similar properties. This amino acid position is not well conserved in available vertebrate species. In addition, this alteration is predicted to be deleterious by in silico analysis. Since supporting evidence is limited at this time, the clinical significance of this alteration remains unclear.

NM_000077.5(CDKN2A):c.233T>C (p.Leu78Pro)

Gene: CDKN2A (cyclin dependent kinase inhibitor 2A; minus strand). Cytogenetic location: 9p21.3.
Variant type: single nucleotide variant.
Coding change: c.233T>C on transcript NM_000077.5; coding-DNA position 233, T replaced by C.
Protein change: p.Leu78Pro; replaces leucine 78 with proline.
Molecular consequence: missense variant (on NM_000077.6). On other transcripts: synonymous variant (1), 3 prime UTR variant (1).
Genome position (GRCh38, 1-based): chr9:21,971,126, A>G on the plus strand (T>C on the coding strand, the complement: CDKN2A is on the minus strand). VCF-style: chr9-21971126-A-G. GRCh37 (hg19) VCF-style: chr9-21971125-A-G.
Other names: c.233T>C, p.Leu78Pro (NM_000077.6, NM_001195132.2); c.80T>C, p.Leu27Pro (NM_001363763.2); c.276T>C, p.Ser92= (NM_058195.4); c.*156T>C (NM_058197.5); short protein forms L78P, L27P.
Identifiers: ClinVar variation 483349 (VCV000483349.5), dbSNP rs1554654118, ClinGen allele CA373086268.